The following is an entry in ClinVar:

ClinVar aggregate classification (germline): Pathogenic (1 of 4 stars; one submission).

Conditions:
Hereditary cancer-predisposing syndrome. Also called: Neoplastic Syndromes, Hereditary; Tumor predisposition; Hereditary Cancer Syndrome; Hereditary neoplastic syndrome. Identifiers: Orphanet 140162, MedGen C0027672, MeSH D009386, MONDO:0015356.

Submission:

Ambry Genetics
Classification: Pathogenic for Hereditary cancer-predisposing syndrome. Last evaluated: 2017-06-23. Review status: criteria provided, single submitter. Criteria: Ambry Variant Classification Scheme 2023. Collection method: clinical testing. Allele origin: germline.
Comment: The p.K2162* pathogenic mutation (also known as c.6484A>T), located in coding exon 10 of the BRCA2 gene, results from an A to T substitution at nucleotide position 6484. This changes the amino acid from a lysine to a stop codon within coding exon 10. This alteration is expected to result in loss of function by premature protein truncation or nonsense-mediated mRNA decay. As such, this alteration is interpreted as a disease-causing mutation.

NM_000059.4(BRCA2):c.6484A>T (p.Lys2162Ter)

Gene: BRCA2 (BRCA2 DNA repair associated; plus strand). Cytogenetic location: 13q13.1.
Variant type: single nucleotide variant.
Coding change: c.6484A>T on transcript NM_000059.4 (MANE Select); coding-DNA position 6484, A replaced by T.
Protein change: p.Lys2162Ter; replaces lysine 2162 with a stop codon.
Molecular consequence: nonsense.
Genome position (GRCh38, 1-based): chr13:32,340,839, A>T. VCF-style: chr13-32340839-A-T. GRCh37 (hg19) VCF-style: chr13-32914976-A-T.
Other names: short protein forms K2162*.
Identifiers: ClinVar variation 483113 (VCV000483113.5), dbSNP rs1555284717, ClinGen allele CA387789461.
Genomic context (GRCh38, chr13:32,340,839, plus strand): 5'-TCTTCAGAAAATAATCACTCTATTAAAGTTTCTCCATATCTCTCTCAATTTCAACAAGAC[A>T]AACAACAGTTGGTATTAGGAACCAAAGTGTCACTTGTTGAGAACATTCATGTTTTGGGAA-3'